The following is an entry in ClinVar:

ClinVar aggregate classification (germline): Uncertain significance (1 of 4 stars; one submission).

Conditions:
Glycogen storage disease type III (GSD3). Also called: Cori disease; FORBES DISEASE. Identifiers: Orphanet 366, MedGen C0017922, MONDO:0009291, OMIM 232400.

Allele frequency attached by ClinVar (database versions not stated): gnomAD exomes 0.00001; ExAC 0.00002; gnomAD 0.00002; TOPMed 0.00003.
gnomAD v4.1: 5 of 1,613,506 alleles (0.00031%); highest among the groups gnomAD compares: African/African-American, 0.0053%; no homozygotes.

Submission:

Labcorp Genetics (formerly Invitae), Labcorp
Classification: Uncertain significance for Glycogen storage disease type III. Last evaluated: 2021-09-01. Review status: criteria provided, single submitter. Criteria: Invitae Variant Classification Sherloc (09022015). Collection method: clinical testing. Allele origin: germline.
Comment: This sequence change replaces glycine with glutamic acid at codon 28 of the AGL protein (p.Gly28Glu). The glycine residue is moderately conserved and there is a moderate physicochemical difference between glycine and glutamic acid. This variant is present in population databases (rs752771103, ExAC 0.01%). This variant has not been reported in the literature in individuals affected with AGL-related conditions. Algorithms developed to predict the effect of missense changes on protein structure and function are either unavailable or do not agree on the potential impact of this missense change (SIFT: "Deleterious"; PolyPhen-2: "Probably Damaging"; Align-GVGD: "Class C0"). Algorithms developed to predict the effect of sequence changes on RNA splicing suggest that this variant may disrupt the consensus splice site. In summary, the available evidence is currently insufficient to determine the role of this variant in disease. Therefore, it has been classified as a Variant of Uncertain Significance.

NM_000642.3(AGL):c.83G>A (p.Gly28Glu)

Gene: AGL (amylo-alpha-1,6-glucosidase and 4-alpha-glucanotransferase; plus strand). Cytogenetic location: 1p21.2.
Variant type: single nucleotide variant.
Coding change: c.83G>A on transcript NM_000642.3 (MANE Select); coding-DNA position 83, G replaced by A.
Protein change: p.Gly28Glu; replaces glycine 28 with glutamic acid.
Molecular consequence: missense variant.
Genome position (GRCh38, 1-based): chr1:99,861,503, G>A. VCF-style: chr1-99861503-G-A. GRCh37 (hg19) VCF-style: chr1-100327059-G-A.
Other names: c.83G>A, p.Gly28Glu (NM_001425328.1, NM_001425329.1, NM_000028.3 and 5 more transcripts); c.35G>A, p.Gly12Glu (NM_000646.3); short protein forms G12E, G28E.
Identifiers: ClinVar variation 1057423 (VCV001057423.6), dbSNP rs752771103, ClinGen allele CA966055.